The following is an entry in ClinVar:

ClinVar aggregate classification (germline): Uncertain significance. Review status: criteria provided, multiple submitters, no conflicts (2 of 4 stars). 2 submissions from 2 submitters: Uncertain significance (2). Last evaluated 2026-01-19.

Conditions:
Inborn genetic diseases. Identifiers: MedGen C0950123, MeSH D030342.

gnomAD v4.1: 2 of 1,613,982 alleles (0.00012%); no homozygotes.

Submissions (2):

Labcorp Genetics (formerly Invitae), Labcorp
Classification: Uncertain significance. Last evaluated: 2026-01-19. Review status: criteria provided, single submitter. Criteria: Invitae Variant Classification Sherloc (09022015). Collection method: clinical testing. Allele origin: germline.
Comment: This sequence change replaces glycine, which is neutral and non-polar, with aspartic acid, which is acidic and polar, at codon 200 of the PPOX protein (p.Gly200Asp). This variant is not present in population databases (gnomAD no frequency). This variant has not been reported in the literature in individuals affected with PPOX-related conditions. ClinVar contains an entry for this variant (Variation ID: 3423720). Invitae Evidence Modeling of protein sequence and biophysical properties (such as structural, functional, and spatial information, amino acid conservation, physicochemical variation, residue mobility, and thermodynamic stability) indicates that this missense variant is expected to disrupt PPOX protein function with a positive predictive value of 95%. In summary, the available evidence is currently insufficient to determine the role of this variant in disease. Therefore, it has been classified as a Variant of Uncertain Significance.

Ambry Genetics
Classification: Uncertain significance for Inborn genetic diseases. Last evaluated: 2024-06-26. Review status: criteria provided, single submitter. Criteria: Ambry Variant Classification Scheme 2023. Collection method: clinical testing. Allele origin: germline.

NM_001122764.3(PPOX):c.599G>A (p.Gly200Asp)

Gene: PPOX (protoporphyrinogen oxidase; plus strand). Cytogenetic location: 1q23.3.
Variant type: single nucleotide variant.
Coding change: c.599G>A on transcript NM_001122764.3 (MANE Select); coding-DNA position 599, G replaced by A.
Protein change: p.Gly200Asp; replaces glycine 200 with aspartic acid.
Molecular consequence: missense variant.
Genome position (GRCh38, 1-based): chr1:161,168,559, G>A. VCF-style: chr1-161168559-G-A. GRCh37 (hg19) VCF-style: chr1-161138349-G-A.
Other names: c.599G>A, p.Gly200Asp (NM_000309.5, NM_001365398.1, NM_001365399.1); c.500G>A, p.Gly167Asp (NM_001350128.2); c.191G>A, p.Gly64Asp (NM_001350129.2, NM_001365400.1); c.113G>A, p.Gly38Asp (NM_001350130.2, NM_001350131.2, NM_001365401.1); short protein forms G167D, G38D, G200D, G64D.
Identifiers: ClinVar variation 3423720 (VCV003423720.2).